The following is an entry in ClinVar:

ClinVar aggregate classification (germline): Likely pathogenic. Review status: criteria provided, multiple submitters, no conflicts (2 of 4 stars). 4 submissions from 4 submitters: Likely pathogenic (3). 1 of the submissions does not count toward it. Last evaluated 2025-10-01.

Conditions:
Neuronal ceroid lipofuscinosis. Also called: Neuronal Ceroid Lipofuscinoses. Identifiers: Orphanet 216, Orphanet 79263, MedGen C0027877, MONDO:0016295. Disease mechanism: loss of function.
Ceroid lipofuscinosis, neuronal, 6A. Also called: Neuronal ceroid lipofuscinosis, Gypsy/Indian early juvenile variant; Neuronal ceroid lipofuscinosis 6; CLN6-Related Neuronal Ceroid-Lipofuscinosis; Neuronal ceroid lipofuscinosis, late infantile, variant. Identifiers: Orphanet 168491, Orphanet 228363, MedGen C5551375, MONDO:0011144, OMIM 601780.

Allele frequency attached by ClinVar (database versions not stated): gnomAD 0.00001; gnomAD exomes 0.00001; TOPMed 0.00001.
gnomAD v4.1: 9 of 1,612,704 alleles (0.00056%); highest among the groups gnomAD compares: East Asian, 0.0045%; no homozygotes.

Submissions (4):

Labcorp Genetics (formerly Invitae), Labcorp
Classification: Likely pathogenic for Neuronal ceroid lipofuscinosis. Last evaluated: 2025-10-01. Review status: criteria provided, single submitter. Criteria: Invitae Variant Classification Sherloc (09022015). Collection method: clinical testing. Allele origin: germline.
Comment: This sequence change replaces arginine, which is basic and polar, with cysteine, which is neutral and slightly polar, at codon 62 of the CLN6 protein (p.Arg62Cys). This variant is present in population databases (no rsID available, gnomAD 0.01%). This missense change has been observed in individual(s) with neuronal ceroid lipofuscinosis (PMID: 19135028, 31216804). In at least one individual the data is consistent with being in trans (on the opposite chromosome) from a pathogenic variant. ClinVar contains an entry for this variant (Variation ID: 554596). Invitae Evidence Modeling of protein sequence and biophysical properties (such as structural, functional, and spatial information, amino acid conservation, physicochemical variation, residue mobility, and thermodynamic stability) has been performed for this missense variant. However, the output from this modeling did not meet the statistical confidence thresholds required to predict the impact of this variant on CLN6 protein function. This variant disrupts the p.Arg62 amino acid residue in CLN6. Other variant(s) that disrupt this residue have been observed in individuals with CLN6-related conditions (PMID: 12815591), which suggests that this may be a clinically significant amino acid residue. In summary, the currently available evidence indicates that the variant is pathogenic, but additional data are needed to prove that conclusively. Therefore, this variant has been classified as Likely Pathogenic.

Natera, Inc.
Classification: Likely pathogenic for Ceroid lipofuscinosis, neuronal, 6A. Last evaluated: 2024-11-08. Review status: criteria provided, single submitter. Criteria: Natera Variant Classification Schema (03/2026). Collection method: clinical testing. Allele origin: germline.
Comment: The c.184C>T variant in CLN6 is a missense variant predicted to cause substitution of arginine to cysteine at amino acid 62. This variant is rare in the general population with a frequency below the threshold expected for the associated phenotype(s). This variant has been observed in one or more individuals affected with the associated recessive disease, as either homozygous or compound heterozygous with a second variant (PMID: 19135028, 34220062). Computational prediction algorithms indicate this variant is likely to affect gene or protein function. Given the available evidence, this variant is classified as Likely Pathogenic.

3billion
Classification: Likely pathogenic for Ceroid lipofuscinosis, neuronal, 6A. Last evaluated: 2021-10-02. Review status: criteria provided, single submitter. Criteria: ACMG Guidelines, 2015. Collection method: clinical testing. Allele origin: maternal. Affected: yes. Observed: 1 heterozygote.
Comment: It is observed at an extremely low frequency in the gnomAD v2.1.1 dataset (total allele frequency: 0.00000795, PM2). The variant was observed to be in trans with a pathogenic variant (NM_017882.2: c.307C>T) as compound heterozygous (3billion dataset). A different missense change at the same codon (p.Arg62His) has been reported as pathogenic (ClinVar ID: VCV000523022.2 PM5). In silico tool predictions suggest damaging effect of the variant on gene or gene product (REVEL: 0.926, 3Cnet: 0.926, PP3). Therefore, this variant is classified as likely pathogenic according to the recommendation of ACMG/AMP guideline.

Counsyl
Classification: Uncertain significance for Ceroid lipofuscinosis, neuronal, 6A. Last evaluated: 2017-10-27. Review status: no assertion criteria provided. Collection method: clinical testing. Allele origin: unknown. Not counted in ClinVar's aggregate classification.

Literature cited by the submitters: PubMed 19135028 (cited by 3 submitters); PubMed 31216804 (cited by Labcorp Genetics (formerly Invitae), Labcorp); PubMed 12815591 (cited by Labcorp Genetics (formerly Invitae), Labcorp); PubMed 34220062 (cited by Natera, Inc.).

NM_017882.3(CLN6):c.184C>T (p.Arg62Cys)

Gene: CLN6 (CLN6 transmembrane ER protein; minus strand). Cytogenetic location: 15q23.
Variant type: single nucleotide variant.
Coding change: c.184C>T on transcript NM_017882.3 (MANE Select); coding-DNA position 184, C replaced by T.
Protein change: p.Arg62Cys; replaces arginine 62 with cysteine.
Molecular consequence: missense variant.
Genome position (GRCh38, 1-based): chr15:68,218,550, G>A on the plus strand (C>T on the coding strand, the complement: CLN6 is on the minus strand). VCF-style: chr15-68218550-G-A. GRCh37 (hg19) VCF-style: chr15-68510888-G-A.
Other names: short protein forms R62C.
Identifiers: ClinVar variation 554596 (VCV000554596.13), dbSNP rs1451777867, ClinGen allele CA392975522.
Genomic context (GRCh38, chr15:68,218,550, plus strand): 5'-GTGTCCTCAGTGCTGGTCAGAGCCCTGTGCACCATTTCACACTCACCATGGCAATGGGAC[G>A]CCCAAAGTCCAGAACCCAGTTCTGCAGTGTGAAGTAGAACCAGAGGTCGAGGTGGAAGGG-3'
Protein context (NP_060352.1, residues 52-72): TLQNWVLDFG[Arg62Cys]PIAMLVFPLE